The following is an entry in ClinVar:

ClinVar aggregate classification (germline): Likely pathogenic (1 of 4 stars; one submission).

Conditions:
Proliferative vasculopathy and hydranencephaly-hydrocephaly syndrome. Also called: ENCEPHALOCLASTIC PROLIFERATIVE VASCULOPATHY; HYDRANENCEPHALY, FOWLER TYPE; HYDROCEPHALY/HYDRANENCEPHALY DUE TO CEREBRAL VASCULOPATHY; Fowler syndrome. Identifiers: Orphanet 221126, MedGen C1856972, MONDO:0009168, OMIM 225790.

Submission:

Laboratory for Molecular Medicine, Mass General Brigham Personalized Medicine
Classification: Likely pathogenic for Proliferative vasculopathy and hydranencephaly-hydrocephaly syndrome. Last evaluated: 2018-11-08. Review status: criteria provided, single submitter. Criteria: LMM Criteria. Collection method: clinical testing. Allele origin: germline. Inheritance: Autosomal recessive inheritance. Observed: 1 variant allele.
Comment: The p.Met131AsnfsX79 variant in FLVCR2 has not been previously reported in indiv iduals with proliferative vasculopathy and hydranencephaly-hydrocephaly syndrome , also known as Fowler syndrome, and was absent from large population studies. T his variant is predicted to cause a frameshift, which alters the protein?s amino acid sequence beginning at position 131 and leads to a premature termination co don 79 amino acids downstream. This alteration is then predicted to lead to a tr uncated or absent protein. In summary, although additional studies are required to fully establish its clinical significance, the p.Met131AsnfsX79 variant is li kely pathogenic. ACMG/AMP Criteria applied: PVS1_Strong, PM2.

NM_017791.3(FLVCR2):c.391dup (p.Met131fs)

Genes: FLVCR2 (FLVCR choline and putative heme transporter 2; plus strand), FLVCR2-AS1 (FLVCR2 antisense RNA 1; minus strand). Cytogenetic location: 14q24.3.
Variant type: Duplication.
Coding change: c.391dup on transcript NM_017791.3 (MANE Select); coding-DNA position 391, one base duplicated (A; older notation c.391dupA).
Protein change: p.Met131fs; shifts the reading frame from methionine 131.
Molecular consequence: frameshift variant. On other transcripts: non-coding transcript variant (1).
Genome position (GRCh38, 1-based): chr14:75,579,363, A duplicated. VCF-style (leftmost placement, unchanged base first): chr14-75579362-C-CA. GRCh37 (hg19) VCF-style: chr14-76045705-C-CA.
Other names: short protein forms M131fs.
Identifiers: ClinVar variation 667372 (VCV000667372.4), dbSNP rs1594785775, ClinGen allele CA915948935.
Genomic context (GRCh38, chr14:75,579,362, plus strand): 5'-CATCTTCATGCACTTCTACGGTGTCAGTGCCTTTGCCATTGACTGGCTGTCCATGTGCTA[C>CA]ATGCTGACTTACATCCCTCTGCTCCTGCCAGTGGCTTGGCTGCTGGAGAAGTTCGGCCTG-3'